The following is an entry in ClinVar:

NM_001036.6(RYR3):c.12514G>A (p.Val4172Met)

Gene: RYR3 (ryanodine receptor 3; plus strand). Cytogenetic location: 15q14.
Variant type: single nucleotide variant.
Coding change: c.12514G>A on transcript NM_001036.6 (MANE Select); coding-DNA position 12514, G replaced by A.
Protein change: p.Val4172Met; replaces valine 4172 with methionine.
Molecular consequence: missense variant.
Genome position (GRCh38, 1-based): chr15:33,838,494, G>A. VCF-style: chr15-33838494-G-A. GRCh37 (hg19) VCF-style: chr15-34130695-G-A.
Other names: c.12499G>A, p.Val4167Met (NM_001243996.4); short protein forms V4172M, V4167M.
Identifiers: ClinVar variation 1046585 (VCV001046585.9), dbSNP rs377237772, ClinGen allele CA7461419.

ClinVar aggregate classification (germline): Uncertain significance (1 of 4 stars; one submission).

Conditions:
Epileptic encephalopathy. Identifiers: MedGen C0543888, HP:0200134.

Allele frequency attached by ClinVar (database versions not stated): gnomAD exomes 0.00001 and 0.00003; TOPMed 0.00001; ExAC 0.00002; gnomAD 0.00003; ESP Exome Variant Server 0.00008.
gnomAD v4.1: 26 of 1,613,894 alleles (0.0016%); highest among the groups gnomAD compares: East Asian, 0.0067%; no homozygotes.

Submission:

Labcorp Genetics (formerly Invitae), Labcorp
Classification: Uncertain significance for Epileptic encephalopathy. Last evaluated: 2020-11-05. Review status: criteria provided, single submitter. Criteria: Invitae Variant Classification Sherloc (09022015). Collection method: clinical testing. Allele origin: germline.
Comment: This sequence change replaces valine with methionine at codon 4172 of the RYR3 protein (p.Val4172Met). The valine residue is moderately conserved and there is a small physicochemical difference between valine and methionine. This variant is present in population databases (rs377237772, ExAC 0.003%). This variant has not been reported in the literature in individuals with RYR3-related conditions. Algorithms developed to predict the effect of missense changes on protein structure and function are either unavailable or do not agree on the potential impact of this missense change (SIFT: "Deleterious"; PolyPhen-2: "Benign"; Align-GVGD: "Class C0"). In summary, the available evidence is currently insufficient to determine the role of this variant in disease. Therefore, it has been classified as a Variant of Uncertain Significance.